The following is an entry in ClinVar:

ClinVar aggregate classification (germline): Uncertain significance. Review status: criteria provided, multiple submitters, no conflicts (2 of 4 stars). 2 submissions from 2 submitters: Uncertain significance (2). Last evaluated 2024-07-30.

Conditions:
Hereditary cancer-predisposing syndrome. Also called: Hereditary Cancer Syndrome; Tumor predisposition; Neoplastic Syndromes, Hereditary; Hereditary neoplastic syndrome. Identifiers: Orphanet 140162, MedGen C0027672, MeSH D009386, MONDO:0015356.
Pheochromocytoma. Also called: MAX-Related Hereditary Paraganglioma-Pheochromocytoma Syndrome. Identifiers: Orphanet 29072, MedGen C0031511, MONDO:0008233, OMIM 171300, HP:0002666.
Pheochromocytoma/paraganglioma syndrome 4. Also called: PARAGANGLIOMA, FAMILIAL MALIGNANT; PARAGANGLIOMAS, HEREDITARY EXTRAADRENAL; PHEOCHROMOCYTOMA, FAMILIAL EXTRAADRENAL; SDHB-Related Hereditary Paraganglioma-Pheochromocytoma Syndrome (Paragangliomas 4); CAROTID BODY TUMORS AND MULTIPLE EXTRAADRENAL PHEOCHROMOCYTOMAS; SDHB-Related Hereditary Paraganglioma-Pheochromocytoma Syndrome. Identifiers: Orphanet 29072, MedGen C1861848, MONDO:0007273, OMIM 115310.
Gastrointestinal stromal tumor. Also called: Gastrointestinal stromal tumor, somatic; Gastrointestinal stroma tumor. Identifiers: Orphanet 44890, MedGen C0238198, MeSH D046152, MONDO:0011719, OMIM 606764, HP:0100723.

Submissions (2):

Labcorp Genetics (formerly Invitae), Labcorp
Classification: Uncertain significance for Gastrointestinal stromal tumor; Pheochromocytoma/paraganglioma syndrome 4; Pheochromocytoma. Last evaluated: 2024-07-30. Review status: criteria provided, single submitter. Criteria: Invitae Variant Classification Sherloc (09022015). Collection method: clinical testing. Allele origin: germline.
Comment: This sequence change replaces aspartic acid, which is acidic and polar, with glutamic acid, which is acidic and polar, at codon 50 of the SDHB protein (p.Asp50Glu). This variant is not present in population databases (gnomAD no frequency). This variant has not been reported in the literature in individuals affected with SDHB-related conditions. ClinVar contains an entry for this variant (Variation ID: 643638). Advanced modeling of protein sequence and biophysical properties (such as structural, functional, and spatial information, amino acid conservation, physicochemical variation, residue mobility, and thermodynamic stability) performed at Invitae indicates that this missense variant is not expected to disrupt SDHB protein function with a negative predictive value of 80%. In summary, the available evidence is currently insufficient to determine the role of this variant in disease. Therefore, it has been classified as a Variant of Uncertain Significance.

Ambry Genetics
Classification: Uncertain significance for Hereditary cancer-predisposing syndrome. Last evaluated: 2022-10-10. Review status: criteria provided, single submitter. Criteria: Ambry Variant Classification Scheme 2023. Collection method: clinical testing. Allele origin: germline.
Comment: The p.D50E variant (also known as c.150C>A), located in coding exon 2 of the SDHB gene, results from a C to A substitution at nucleotide position 150. The aspartic acid at codon 50 is replaced by glutamic acid, an amino acid with highly similar properties. This amino acid position is conserved. In addition, the in silico prediction for this alteration is inconclusive. Since supporting evidence is limited at this time, the clinical significance of this alteration remains unclear.

NM_003000.3(SDHB):c.150C>A (p.Asp50Glu)

Gene: SDHB (succinate dehydrogenase complex iron sulfur subunit B; minus strand). Cytogenetic location: 1p36.13.
Variant type: single nucleotide variant.
Coding change: c.150C>A on transcript NM_003000.3 (MANE Select); coding-DNA position 150, C replaced by A.
Protein change: p.Asp50Glu; replaces aspartic acid 50 with glutamic acid.
Molecular consequence: missense variant.
Genome position (GRCh38, 1-based): chr1:17,044,811, G>T on the plus strand (C>A on the coding strand, the complement: SDHB is on the minus strand). VCF-style: chr1-17044811-G-T. GRCh37 (hg19) VCF-style: chr1-17371306-G-T.
Other names: short protein forms D50E.
Identifiers: ClinVar variation 643638 (VCV000643638.8), dbSNP rs1570958024, ClinGen allele CA338227986.